The following is an entry in ClinVar:

ClinVar aggregate classification (germline): Conflicting classifications of pathogenicity. Review status: criteria provided, conflicting classifications (1 of 4 stars). 3 submissions from 3 submitters: Uncertain significance (1); Likely benign (1). 1 of the submissions does not count toward it. Last evaluated 2025-12-03.

Conditions:
PKD1L1-related disorder. Also called: PKD1L1-related condition.
Inborn genetic diseases. Identifiers: MedGen C0950123, MeSH D030342.

Allele frequency attached by ClinVar (database versions not stated): gnomAD 0.00005; TOPMed 0.00015.
gnomAD v4.1: 105 of 1,606,040 alleles (0.0065%); highest among the groups gnomAD compares: Admixed American, 0.17%; no homozygotes.

Submissions (3):

Labcorp Genetics (formerly Invitae), Labcorp
Classification: Likely benign. Last evaluated: 2025-12-03. Review status: criteria provided, single submitter. Criteria: Invitae Variant Classification Sherloc (09022015). Collection method: clinical testing. Allele origin: germline.

Ambry Genetics
Classification: Uncertain significance for Inborn genetic diseases. Last evaluated: 2024-08-15. Review status: criteria provided, single submitter. Criteria: Ambry Variant Classification Scheme 2023. Collection method: clinical testing. Allele origin: germline.

PreventionGenetics, part of Exact Sciences
Classification: Likely benign for PKD1L1-related condition. Last evaluated: 2022-03-07. Review status: no assertion criteria provided. Collection method: clinical testing. Allele origin: germline. Not counted in ClinVar's aggregate classification.
Comment: This variant is classified as likely benign based on ACMG/AMP sequence variant interpretation guidelines (Richards et al. 2015 PMID: 25741868, with internal and published modifications).

NM_138295.5(PKD1L1):c.5765G>T (p.Arg1922Leu)

Gene: PKD1L1 (polycystin 1 like 1, transient receptor potential channel interacting; minus strand). Cytogenetic location: 7p12.3.
Variant type: single nucleotide variant.
Coding change: c.5765G>T on transcript NM_138295.5 (MANE Select); coding-DNA position 5765, G replaced by T.
Protein change: p.Arg1922Leu; replaces arginine 1922 with leucine.
Molecular consequence: missense variant.
Genome position (GRCh38, 1-based): chr7:47,839,450, C>A on the plus strand (G>T on the coding strand, the complement: PKD1L1 is on the minus strand). VCF-style: chr7-47839450-C-A. GRCh37 (hg19) VCF-style: chr7-47879048-C-A.
Other names: c.5765G>T (NM_138295.3); short protein forms R1922L.
Identifiers: ClinVar variation 2072865 (VCV002072865.7), dbSNP rs370329516, ClinGen allele CA4252754.